The following is an entry in ClinVar:

ClinVar aggregate classification (germline): Uncertain significance (1 of 4 stars; one submission).

Conditions:
Sifrim-Hitz-Weiss syndrome (SIHIWES). Also called: CHD4 Neurodevelopmental Disorder; SIFRIM-HITZ-WEISS MULTIPLE CONGENITAL ANOMALIES-MENTAL RETARDATION SYNDROME. Identifiers: Orphanet 653712, MedGen C4310688, MONDO:0014946, OMIM 617159.

Submission:

Laboratorio de Genetica e Diagnostico Molecular, Hospital Israelita Albert Einstein
Classification: Uncertain significance for Sifrim-Hitz-Weiss syndrome. Last evaluated: 2026-01-28. Review status: criteria provided, single submitter. Criteria: ACMG Guidelines, 2015. Collection method: clinical testing. Allele origin: germline. Affected: yes.
Comment: ACMG classification criteria: PM2 supporting, PP2 supporting, PP3 supporting

NM_001273.5(CHD4):c.3836C>T (p.Ser1279Leu)

Gene: CHD4 (chromodomain helicase DNA binding protein 4; minus strand). Cytogenetic location: 12p13.31.
Variant type: single nucleotide variant.
Coding change: c.3836C>T on transcript NM_001273.5 (MANE Select); coding-DNA position 3836, C replaced by T.
Protein change: p.Ser1279Leu; replaces serine 1279 with leucine.
Molecular consequence: missense variant.
Genome position (GRCh38, 1-based): chr12:6,587,427, G>A on the plus strand (C>T on the coding strand, the complement: CHD4 is on the minus strand). VCF-style: chr12-6587427-G-A. GRCh37 (hg19) VCF-style: chr12-6696593-G-A.
Other names: c.3815C>T, p.Ser1272Leu (NM_001297553.2); c.3797C>T, p.Ser1266Leu (NM_001363606.2); short protein forms S1266L, S1272L, S1279L.
Identifiers: ClinVar variation 4846991 (VCV004846991.1).